The following is an entry in ClinVar:

NM_014855.3(AP5Z1):c.1527C>T (p.Phe509=)

Gene: AP5Z1 (adaptor related protein complex 5 subunit zeta 1; plus strand). Cytogenetic location: 7p22.1.
Variant type: single nucleotide variant.
Coding change: c.1527C>T on transcript NM_014855.3 (MANE Select); coding-DNA position 1527, C replaced by T.
Protein change: p.Phe509=; no amino-acid change (phenylalanine 509 retained).
Molecular consequence: synonymous variant. On other transcripts: non-coding transcript variant (1).
Genome position (GRCh38, 1-based): chr7:4,788,226, C>T. VCF-style: chr7-4788226-C-T. GRCh37 (hg19) VCF-style: chr7-4827857-C-T.
Other names: c.1059C>T, p.Phe353= (NM_001364858.1); c.1527C>T, p.Phe509= (LRG_1247t1).
Identifiers: ClinVar variation 471496 (VCV000471496.34), dbSNP rs745794388, ClinGen allele CA4137853.

ClinVar aggregate classification (germline): Likely benign. Review status: criteria provided, multiple submitters, no conflicts (2 of 4 stars). 2 submissions from 2 submitters: Likely benign (2). Last evaluated 2026-01-15.

Conditions:
Hereditary spastic paraplegia 48. Also called: Spastic paraplegia 48; SPASTIC PARAPLEGIA 48, AUTOSOMAL RECESSIVE. Identifiers: Orphanet 306511, MedGen C3150901, MONDO:0013342, OMIM 613647.

Allele frequency attached by ClinVar (database versions not stated): gnomAD exomes 0.00003; ExAC 0.00004; TOPMed 0.00004; gnomAD 0.00005 and 0.00006.
gnomAD v4.1: 162 of 1,573,328 alleles (0.01%); highest among the groups gnomAD compares: Non-Finnish European, 0.013%; no homozygotes.

Submissions (2):

Labcorp Genetics (formerly Invitae), Labcorp
Classification: Likely benign for Hereditary spastic paraplegia 48. Last evaluated: 2026-01-15. Review status: criteria provided, single submitter. Criteria: Invitae Variant Classification Sherloc (09022015). Collection method: clinical testing. Allele origin: germline.

CeGaT Center for Human Genetics Tuebingen
Classification: Likely benign. Last evaluated: 2022-10-01. Review status: criteria provided, single submitter. Criteria: CeGaT Center For Human Genetics Tuebingen Variant Classification Criteria Version 2. Collection method: clinical testing. Allele origin: germline. Affected: yes. Observed: 1 variant allele.
Comment: AP5Z1: BP4, BP7